The following is an entry in ClinVar:

ClinVar aggregate classification (germline): Uncertain significance (1 of 4 stars; one submission).

Conditions:
Aortic aneurysm, familial thoracic 4 (AAT4). Also called: AORTIC ANEURYSM/AORTIC DISSECTION AND PATENT DUCTUS ARTERIOSUS. Identifiers: MedGen C1851504, MONDO:0007568, OMIM 132900.

gnomAD v4.1: 2 of 1,613,994 alleles (0.00012%); highest among the groups gnomAD compares: South Asian, 0.0011%; no homozygotes.

Submission:

Labcorp Genetics (formerly Invitae), Labcorp
Classification: Uncertain significance for Aortic aneurysm, familial thoracic 4. Last evaluated: 2024-08-13. Review status: criteria provided, single submitter. Criteria: Invitae Variant Classification Sherloc (09022015). Collection method: clinical testing. Allele origin: germline.
Comment: This sequence change replaces glutamic acid, which is acidic and polar, with glutamine, which is neutral and polar, at codon 1538 of the MYH11 protein (p.Glu1538Gln). This variant is present in population databases (rs769993550, gnomAD 0.003%). This variant has not been reported in the literature in individuals affected with MYH11-related conditions. Invitae Evidence Modeling of protein sequence and biophysical properties (such as structural, functional, and spatial information, amino acid conservation, physicochemical variation, residue mobility, and thermodynamic stability) indicates that this missense variant is not expected to disrupt MYH11 protein function with a negative predictive value of 95%. In summary, the available evidence is currently insufficient to determine the role of this variant in disease. Therefore, it has been classified as a Variant of Uncertain Significance.

NM_002474.3(MYH11):c.4591G>C (p.Glu1531Gln)

Genes: MYH11 (myosin heavy chain 11; minus strand), NDE1 (nudE neurodevelopment protein 1; plus strand). Cytogenetic location: 16p13.11.
Variant type: single nucleotide variant.
Coding change: c.4591G>C on transcript NM_002474.3 (MANE Select); coding-DNA position 4591, G replaced by C.
Protein change: p.Glu1531Gln; replaces glutamic acid 1531 with glutamine.
Molecular consequence: missense variant. On other transcripts: intron variant (2).
Genome position (GRCh38, 1-based): chr16:15,721,039, C>G on the plus strand (G>C on the coding strand, the complement: MYH11 is on the minus strand). VCF-style: chr16-15721039-C-G. GRCh37 (hg19) VCF-style: chr16-15814896-C-G.
Other names: c.4612G>C, p.Glu1538Gln (NM_001040113.2, NM_001040114.2); c.4591G>C, p.Glu1531Gln (NM_022844.3); c.948-3152C>G (NM_001143979.2, NM_017668.3); short protein forms E1531Q, E1538Q.
Identifiers: ClinVar variation 3628706 (VCV003628706.2).
Genomic context (GRCh38, chr16:15,721,039, plus strand): 5'-GCTCTTCCAGCTGCGTCTTCATCTCCTCCATCTGGGTCTCCAGGGCCCGCTTGGACTTCT[C>G]CAGCTCATGGACCTGCCGGCAGAGCGGGCAGCCCCATTCTATGAGGCTCAACTTCATGAA-3'
Protein context (NP_002465.1, residues 1521-1541): DDVGKNVHEL[Glu1531Gln]KSKRALETQM